The following is an entry in ClinVar:

ClinVar aggregate classification (germline): Pathogenic/Likely pathogenic. Review status: criteria provided, multiple submitters, no conflicts (2 of 4 stars). 3 submissions from 3 submitters: Pathogenic (1); Likely pathogenic (2). Last evaluated 2024-04-23.

Conditions:
Congenital afibrinogenemia. Identifiers: Orphanet 335, Orphanet 98880, MedGen C2584774, MONDO:0008737, OMIM 202400.
Familial visceral amyloidosis, Ostertag type (AMYLD2). Also called: AMYLOIDOSIS VIII; Familial visceral amyloidosis; Amyloidosis, hepatic and systemic; Ostertag type amyloidosis; Hereditary Renal Amyloidosis; AMYLOIDOSIS, HEREDITARY SYSTEMIC 2. Identifiers: Orphanet 85450, MedGen C0268389, MONDO:0007099, OMIM 105200.
Familial dysfibrinogenemia. Also called: Dysfibrinogenemia, congenital. Identifiers: Orphanet 335, Orphanet 98881, MedGen C0272350, MONDO:0014452, OMIM 616004.
FGA-related disorder. Also called: FGA-related disorders; FGA-related condition.

Allele frequency attached by ClinVar (database versions not stated): gnomAD 0.00001; TOPMed 0.00002; ESP Exome Variant Server 0.00008.
gnomAD v4.1: 43 of 1,613,662 alleles (0.0027%); highest among the groups gnomAD compares: Non-Finnish European, 0.0034%; no homozygotes.

Submissions (3):

Fulgent Genetics
Classification: Pathogenic for Familial visceral amyloidosis, Ostertag type; Congenital afibrinogenemia; Familial dysfibrinogenemia. Last evaluated: 2024-04-23. Review status: criteria provided, single submitter. Criteria: ACMG Guidelines, 2015. Collection method: clinical testing. Allele origin: germline.

Department of Pathology and Laboratory Medicine, Sinai Health System
Classification: Likely pathogenic for Familial visceral amyloidosis, Ostertag type; Congenital afibrinogenemia. Last evaluated: 2021-07-30. Review status: criteria provided, single submitter. Criteria: ACMG Guidelines, 2015. Collection method: research. Allele origin: germline.

Illumina Laboratory Services, Illumina
Classification: Likely pathogenic for FGA-Related Disorders. Last evaluated: 2018-10-10. Review status: criteria provided, single submitter. Criteria: ICSL Variant Classification Criteria 09 May 2019. Collection method: clinical testing. Allele origin: germline.
Comment: The FGA c.532C>T (p.Arg178Ter) stop-gained variant, also known as p.Arg159Ter, has been reported in two studies and is found in a total of two homozygous probands with congenital afibrinogenemia. The first proband, reported by Santacroce et al. (2006), was described as having a severe bleeding phenotype and no fibrinogen detected by functional or quantitative coagulation studies. The second proband, reported by Marchi Cappelletti et al. (2009), had a thrombin time of greater than 120 seconds and lacked both functional and gravimetric fibrinogen. This individual required 20 times more bovine thrombin than normal for polymerization. This proband's parents were confirmed heterozygous carriers of the p.Arg178Ter variant and were asymptomatic with normal fibrinogen levels and kinetics. The p.Arg178Ter variant is reported at a frequency of 0.00012 in the European American population of the Exome Sequencing Project but this is based on one allele so the variant is presumed to be rare. No literature was found associating the p.Arg178Ter variant with autosomal dominant familial visceral amyloidosis. Due to the potential impact of stop-gained variants, in addition to the evidence from the literature, the p.Arg178Ter variant is classified as likely pathogenic for FGA-related disorders, and to date has been reported in cases of congenital afibrinogenemia following autosomal recessive inheritance. Note: Clinically significant implications of this variant cannot be ruled out. While no literature was found associating the p.Arg178Ter variant with autosomal dominant familial visceral amyloidosis, it cannot be ruled out as a cause of this disease, which has a median age of onset of 58 years (Gillmore et al. 2009). This variant was observed by ICSL as part of a predisposition screen in an ostensibly healthy population.

Literature cited by the submitters: PubMed 19468208 (cited by Illumina Laboratory Services, Illumina); PubMed 16651864 (cited by Illumina Laboratory Services, Illumina).

NM_021871.4(FGA):c.532C>T (p.Arg178Ter)

Gene: FGA (fibrinogen alpha chain; minus strand). Cytogenetic location: 4q31.3.
Variant type: single nucleotide variant.
Coding change: c.532C>T on transcript NM_021871.4 (MANE Select); coding-DNA position 532, C replaced by T.
Protein change: p.Arg178Ter; replaces arginine 178 with a stop codon.
Molecular consequence: nonsense.
Genome position (GRCh38, 1-based): chr4:154,586,897, G>A on the plus strand (C>T on the coding strand, the complement: FGA is on the minus strand). VCF-style: chr4-154586897-G-A. GRCh37 (hg19) VCF-style: chr4-155508049-G-A.
Other names: c.532C>T, p.Arg178Ter (NM_000508.5); c.532C>T (LRG_557t2); short protein forms R178*.
Identifiers: ClinVar variation 632435 (VCV000632435.7), dbSNP rs140911890, ClinGen allele CA3115268.